The following is an entry in ClinVar:

NM_001243133.2(NLRP3):c.2214C>G (p.Ser738Arg)

Gene: NLRP3 (NLR family pyrin domain containing 3; plus strand). Cytogenetic location: 1q44.
Variant type: single nucleotide variant.
Coding change: c.2214C>G on transcript NM_001243133.2 (MANE Select); coding-DNA position 2214, C replaced by G.
Protein change: p.Ser738Arg; replaces serine 738 with arginine.
Molecular consequence: missense variant. On other transcripts: intron variant (2).
Genome position (GRCh38, 1-based): chr1:247,429,648, C>G. VCF-style: chr1-247429648-C-G. GRCh37 (hg19) VCF-style: chr1-247592950-C-G.
Other names: c.2214C>G, p.Ser738Arg (NM_001079821.3, NM_001127461.3); c.2220C>G, p.Ser740Arg (NM_004895.5); c.2150+4049C>G (NM_001127462.3, NM_183395.3); short protein forms S738R, S740R.
Identifiers: ClinVar variation 2131274 (VCV002131274.4), dbSNP rs183128734, ClinGen allele CA40695812.

ClinVar aggregate classification (germline): Uncertain significance (1 of 4 stars; one submission).

Conditions:
Cryopyrin associated periodic syndrome (CAPS). Identifiers: Orphanet 208650, MedGen C2316212, MONDO:0016168.

gnomAD v4.1: 1 of 1,614,052 alleles (0.000062%); highest among the groups gnomAD compares: Non-Finnish European, 0.000085%; no homozygotes.

Submission:

Labcorp Genetics (formerly Invitae), Labcorp
Classification: Uncertain significance for Cryopyrin associated periodic syndrome. Last evaluated: 2022-04-28. Review status: criteria provided, single submitter. Criteria: Invitae Variant Classification Sherloc (09022015). Collection method: clinical testing. Allele origin: germline.
Comment: In summary, the available evidence is currently insufficient to determine the role of this variant in disease. Therefore, it has been classified as a Variant of Uncertain Significance. Algorithms developed to predict the effect of sequence changes on RNA splicing suggest that this variant may disrupt the consensus splice site. Algorithms developed to predict the effect of missense changes on protein structure and function (SIFT, PolyPhen-2, Align-GVGD) all suggest that this variant is likely to be tolerated. This variant has not been reported in the literature in individuals affected with NLRP3-related conditions. This variant is not present in population databases (gnomAD no frequency). This sequence change replaces serine, which is neutral and polar, with arginine, which is basic and polar, at codon 740 of the NLRP3 protein (p.Ser740Arg).